The following is an entry in ClinVar:

ClinVar aggregate classification (germline): Uncertain significance. Review status: criteria provided, multiple submitters, no conflicts (2 of 4 stars). 2 submissions from 2 submitters: Uncertain significance (2). Last evaluated 2024-02-24.

Conditions:
Progressive myoclonic epilepsy type 5. Identifiers: Orphanet 402082, MedGen C5190799.

Allele frequency attached by ClinVar (database versions not stated): gnomAD exomes below 0.00001; TOPMed below 0.00001.
gnomAD v4.1: 2 of 1,613,912 alleles (0.00012%); highest among the groups gnomAD compares: Admixed American, 0.0033%; no homozygotes.

Submissions (2):

Labcorp Genetics (formerly Invitae), Labcorp
Classification: Uncertain significance for Progressive myoclonic epilepsy type 5. Last evaluated: 2024-02-24. Review status: criteria provided, single submitter. Criteria: Invitae Variant Classification Sherloc (09022015). Collection method: clinical testing. Allele origin: germline.
Comment: This sequence change replaces alanine, which is neutral and non-polar, with valine, which is neutral and non-polar, at codon 650 of the PRICKLE2 protein (p.Ala650Val). The frequency data for this variant in the population databases is considered unreliable, as metrics indicate poor data quality at this position in the gnomAD database. This variant has not been reported in the literature in individuals affected with PRICKLE2-related conditions. ClinVar contains an entry for this variant (Variation ID: 626152). An algorithm developed to predict the effect of missense changes on protein structure and function (PolyPhen-2) suggests that this variant is likely to be tolerated. In summary, the available evidence is currently insufficient to determine the role of this variant in disease. Therefore, it has been classified as a Variant of Uncertain Significance.

Center for Genomics, Ann and Robert H. Lurie Children's Hospital of Chicago
Classification: Uncertain significance. Last evaluated: 2021-03-30. Review status: criteria provided, single submitter. Criteria: ACMG Guidelines, 2015. Collection method: clinical testing. Allele origin: germline.
Comment: PRICKLE2 NM_198859.3 exon 8 p.Ala650Val (c.1949C>T): This variant has not been reported in the literature and is not present in large control databases. Evolutionary conservation and computational predictive tools suggest that this variant may not impact the protein. In summary, data on this variant is insufficient for disease classification. Therefore, the clinical significance of this variant is uncertain.

NM_198859.4(PRICKLE2):c.1949C>T (p.Ala650Val)

Genes: PRICKLE2 (prickle planar cell polarity protein 2; minus strand), PRICKLE2-AS1 (PRICKLE2 antisense RNA 1; plus strand). Cytogenetic location: 3p14.1.
Variant type: single nucleotide variant.
Coding change: c.1949C>T on transcript NM_198859.4 (MANE Select); coding-DNA position 1949, C replaced by T.
Protein change: p.Ala650Val; replaces alanine 650 with valine.
Molecular consequence: missense variant. On other transcripts: non-coding transcript variant (1).
Genome position (GRCh38, 1-based): chr3:64,099,637, G>A on the plus strand (C>T on the coding strand, the complement: PRICKLE2 is on the minus strand). VCF-style: chr3-64099637-G-A. GRCh37 (hg19) VCF-style: chr3-64085313-G-A.
Other names: c.1949C>T, p.Ala650Val (NM_001370528.1); short protein forms A650V.
Identifiers: ClinVar variation 626152 (VCV000626152.8), dbSNP rs747788121, ClinGen allele CA2479520.